The following is an entry in ClinVar:

NM_000548.5(TSC2):c.1622C>A (p.Pro541Gln)

Gene: TSC2 (TSC complex subunit 2; plus strand). Cytogenetic location: 16p13.3.
Variant type: single nucleotide variant.
Coding change: c.1622C>A on transcript NM_000548.5 (MANE Select); coding-DNA position 1622, C replaced by A.
Protein change: p.Pro541Gln; replaces proline 541 with glutamine.
Molecular consequence: missense variant.
Genome position (GRCh38, 1-based): chr16:2,065,541, C>A. VCF-style: chr16-2065541-C-A. GRCh37 (hg19) VCF-style: chr16-2115542-C-A.
Other names: c.1622C>A, p.Pro541Gln (NM_001077183.3, NM_001114382.3, NM_001363528.2 and 3 more transcripts); c.1511C>A, p.Pro504Gln (NM_001318827.2); c.1475C>A, p.Pro492Gln (NM_001318829.2); c.1022C>A, p.Pro341Gln (NM_001318831.2); c.1655C>A, p.Pro552Gln (NM_001318832.2); short protein forms P541Q, P492Q, P504Q, P552Q, P341Q.
Identifiers: ClinVar variation 406013 (VCV000406013.14), dbSNP rs752953762, ClinGen allele CA16614663.

ClinVar aggregate classification (germline): Uncertain significance. Review status: criteria provided, multiple submitters, no conflicts (2 of 4 stars). 2 submissions from 2 submitters: Uncertain significance (2). Last evaluated 2025-03-16.

Conditions:
Hereditary cancer-predisposing syndrome. Also called: Tumor predisposition; Neoplastic Syndromes, Hereditary; Hereditary Cancer Syndrome; Hereditary neoplastic syndrome. Identifiers: Orphanet 140162, MedGen C0027672, MeSH D009386, MONDO:0015356.
Tuberous sclerosis 2 (TSC2). Identifiers: Orphanet 805, MedGen C1860707, MONDO:0013199, OMIM 613254.

Submissions (2):

Labcorp Genetics (formerly Invitae), Labcorp
Classification: Uncertain significance for Tuberous sclerosis 2. Last evaluated: 2025-03-16. Review status: criteria provided, single submitter. Criteria: Invitae Variant Classification Sherloc (09022015). Collection method: clinical testing. Allele origin: germline.
Comment: This sequence change replaces proline, which is neutral and non-polar, with glutamine, which is neutral and polar, at codon 541 of the TSC2 protein (p.Pro541Gln). This variant is not present in population databases (gnomAD no frequency). This variant has not been reported in the literature in individuals affected with TSC2-related conditions. ClinVar contains an entry for this variant (Variation ID: 406013). Invitae Evidence Modeling of protein sequence and biophysical properties (such as structural, functional, and spatial information, amino acid conservation, physicochemical variation, residue mobility, and thermodynamic stability) indicates that this missense variant is not expected to disrupt TSC2 protein function with a negative predictive value of 95%. In summary, the available evidence is currently insufficient to determine the role of this variant in disease. Therefore, it has been classified as a Variant of Uncertain Significance.

Ambry Genetics
Classification: Uncertain significance for Hereditary cancer-predisposing syndrome. Last evaluated: 2025-02-14. Review status: criteria provided, single submitter. Criteria: Ambry Variant Classification Scheme 2023. Collection method: clinical testing. Allele origin: germline.
Comment: The p.P541Q variant (also known as c.1622C>A), located in coding exon 15 of the TSC2 gene, results from a C to A substitution at nucleotide position 1622. The proline at codon 541 is replaced by glutamine, an amino acid with similar properties. This amino acid position is conserved. In addition, this alteration is predicted to be tolerated by in silico analysis. Based on the available evidence, the clinical significance of this variant remains unclear.